The following is an entry in ClinVar:

NM_004700.4(KCNQ4):c.1393C>T (p.Pro465Ser)

Gene: KCNQ4 (potassium voltage-gated channel subfamily Q member 4; plus strand). Cytogenetic location: 1p34.2.
Variant type: single nucleotide variant.
Coding change: c.1393C>T on transcript NM_004700.4 (MANE Select); coding-DNA position 1393, C replaced by T.
Protein change: p.Pro465Ser; replaces proline 465 with serine.
Molecular consequence: missense variant.
Genome position (GRCh38, 1-based): chr1:40,831,184, C>T. VCF-style: chr1-40831184-C-T. GRCh37 (hg19) VCF-style: chr1-41296856-C-T.
Other names: c.1231C>T, p.Pro411Ser (NM_172163.3); short protein forms P411S, P465S.
Identifiers: ClinVar variation 2896606 (VCV002896606.3), dbSNP rs144177723, ClinGen allele CA794874.

ClinVar aggregate classification (germline): Uncertain significance (1 of 4 stars; one submission).

Allele frequency attached by ClinVar (database versions not stated): ExAC 0.00001; gnomAD 0.00001; gnomAD exomes 0.00001; TOPMed 0.00001; ESP Exome Variant Server 0.00008.
gnomAD v4.1: 16 of 1,611,088 alleles (0.00099%); highest among the groups gnomAD compares: African/African-American, 0.0013%; no homozygotes.

Submission:

Labcorp Genetics (formerly Invitae), Labcorp
Classification: Uncertain significance. Last evaluated: 2024-01-04. Review status: criteria provided, single submitter. Criteria: Invitae Variant Classification Sherloc (09022015). Collection method: clinical testing. Allele origin: germline.
Comment: This sequence change replaces proline, which is neutral and non-polar, with serine, which is neutral and polar, at codon 465 of the KCNQ4 protein (p.Pro465Ser). This variant is present in population databases (rs144177723, gnomAD 0.03%). This variant has not been reported in the literature in individuals affected with KCNQ4-related conditions. Advanced modeling of protein sequence and biophysical properties (such as structural, functional, and spatial information, amino acid conservation, physicochemical variation, residue mobility, and thermodynamic stability) has been performed at Invitae for this missense variant, however the output from this modeling did not meet the statistical confidence thresholds required to predict the impact of this variant on KCNQ4 protein function. In summary, the available evidence is currently insufficient to determine the role of this variant in disease. Therefore, it has been classified as a Variant of Uncertain Significance.